The following is an entry in ClinVar:

ClinVar aggregate classification (germline): Uncertain significance. Review status: criteria provided, multiple submitters, no conflicts (2 of 4 stars). 2 submissions from 2 submitters: Uncertain significance (2). Last evaluated 2026-09-05.

Conditions:
Generalized epilepsy with febrile seizures plus, type 7 (GEFSP7). Also called: GEFS+, TYPE 7. Identifiers: Orphanet 36387, MedGen C2751778, MONDO:0013470, OMIM 613863.
Neuropathy, hereditary sensory and autonomic, type 2A (HSAN2A). Also called: WNK1-Related HSAN2 (HSAN2A); HSAN IIA; NEUROPATHY, HEREDITARY SENSORY RADICULAR, AUTOSOMAL RECESSIVE; NEUROPATHY, HEREDITARY SENSORY, TYPE IIA; NEUROPATHY, PROGRESSIVE SENSORY, OF CHILDREN; ACROOSTEOLYSIS, GIACCAI TYPE. Identifiers: Orphanet 970, MedGen C2752089, MONDO:0024309, OMIM 201300.

Submissions (2):

GeneDx
Classification: Uncertain significance. Last evaluated: 2026-09-05. Review status: criteria provided, single submitter. Criteria: GeneDx Variant Classification Process June 2021. Collection method: clinical testing. Allele origin: germline.
Comment: Not observed at significant frequency in large population cohorts (gnomAD); In silico analysis supports that this missense variant has a deleterious effect on protein structure/function; Has not been previously published as pathogenic or benign to our knowledge

Labcorp Genetics (formerly Invitae), Labcorp
Classification: Uncertain significance for Neuropathy, hereditary sensory and autonomic, type 2A; Generalized epilepsy with febrile seizures plus, type 7. Last evaluated: 2025-11-06. Review status: criteria provided, single submitter. Criteria: Invitae Variant Classification Sherloc (09022015). Collection method: clinical testing. Allele origin: germline.
Comment: This sequence change replaces asparagine, which is neutral and polar, with aspartic acid, which is acidic and polar, at codon 1380 of the SCN9A protein (p.Asn1380Asp). This variant is not present in population databases (gnomAD no frequency). This variant has not been reported in the literature in individuals affected with SCN9A-related conditions. ClinVar contains an entry for this variant (Variation ID: 1384443). Invitae Evidence Modeling of protein sequence and biophysical properties (such as structural, functional, and spatial information, amino acid conservation, physicochemical variation, residue mobility, and thermodynamic stability) indicates that this missense variant is not expected to disrupt SCN9A protein function with a negative predictive value of 80%. In summary, the available evidence is currently insufficient to determine the role of this variant in disease. Therefore, it has been classified as a Variant of Uncertain Significance.

NM_001365536.1(SCN9A):c.4171A>G (p.Asn1391Asp)

Genes: SCN1A-AS1 (SCN1A and SCN9A antisense RNA 1; plus strand), SCN9A (sodium voltage-gated channel alpha subunit 9; minus strand). Cytogenetic location: 2q24.3.
Variant type: single nucleotide variant.
Coding change: c.4171A>G on transcript NM_001365536.1 (MANE Select); coding-DNA position 4171, A replaced by G.
Protein change: p.Asn1391Asp; replaces asparagine 1391 with aspartic acid.
Molecular consequence: missense variant.
Genome position (GRCh38, 1-based): chr2:166,228,726, T>C on the plus strand (A>G on the coding strand, the complement: SCN9A is on the minus strand). VCF-style: chr2-166228726-T-C. GRCh37 (hg19) VCF-style: chr2-167085236-T-C.
Other names: c.4138A>G, p.Asn1380Asp (NM_002977.4); short protein forms N1391D, N1380D.
Identifiers: ClinVar variation 1384443 (VCV001384443.7), dbSNP rs2106387312, ClinGen allele CA349063320.